The following is an entry in ClinVar:

NM_006734.4(HIVEP2):c.927C>T (p.Gly309=)

Gene: HIVEP2 (HIVEP zinc finger 2; minus strand). Cytogenetic location: 6q24.2.
Variant type: single nucleotide variant.
Coding change: c.927C>T on transcript NM_006734.4 (MANE Select); coding-DNA position 927, C replaced by T.
Protein change: p.Gly309=; no amino-acid change (glycine 309 retained).
Molecular consequence: synonymous variant.
Genome position (GRCh38, 1-based): chr6:142,773,812, G>A on the plus strand (C>T on the coding strand, the complement: HIVEP2 is on the minus strand). VCF-style: chr6-142773812-G-A. GRCh37 (hg19) VCF-style: chr6-143094949-G-A.
Identifiers: ClinVar variation 721356 (VCV000721356.46), dbSNP rs368953291, ClinGen allele CA4028672.

ClinVar aggregate classification (germline): Likely benign. Review status: criteria provided, multiple submitters, no conflicts (2 of 4 stars). 5 submissions from 5 submitters: Likely benign (4). 1 of the submissions does not count toward it. Last evaluated 2026-07-01.

Conditions:
HIVEP2-related disorder. Also called: HIVEP2-related condition.

Allele frequency attached by ClinVar (database versions not stated): 1000 Genomes Project 30x 0.00016; 1000 Genomes Project 0.00020; ExAC 0.00022; gnomAD exomes 0.00022; gnomAD 0.00046 and 0.00049; TOPMed 0.00052; ESP Exome Variant Server 0.00058.
gnomAD v4.1: 550 of 1,613,650 alleles (0.034%); highest among the groups gnomAD compares: African/African-American, 0.083%; 1 homozygote.

Submissions (6):

CeGaT Center for Human Genetics Tuebingen
Classification: Likely benign. Last evaluated: 2026-07-01. Review status: criteria provided, single submitter. Criteria: CeGaT Center For Human Genetics Tuebingen Variant Classification Criteria Version 2. Collection method: clinical testing. Allele origin: germline. Affected: yes. Observed: 4 variant alleles.
Comment: HIVEP2: BP4, BP7

Labcorp Genetics (formerly Invitae), Labcorp
Classification: Likely benign. Last evaluated: 2026-01-26. Review status: criteria provided, single submitter. Criteria: Invitae Variant Classification Sherloc (09022015). Collection method: clinical testing. Allele origin: germline.

Blueprint Genetics
Classification: Likely benign. Last evaluated: 2024-09-13. Review status: criteria provided, single submitter. Criteria: ACMG Guidelines, 2015. Collection method: clinical testing. Allele origin: germline.

Breakthrough Genomics
Classification: Likely benign. Review status: criteria provided, single submitter. Criteria: ACMG Guidelines, 2015. Collection method: not provided. Allele origin: germline. Inheritance: Autosomal dominant inheritance. Affected: yes.

PreventionGenetics, part of Exact Sciences
Classification: Likely benign for HIVEP2-related condition. Last evaluated: 2020-02-07. Review status: no assertion criteria provided. Collection method: clinical testing. Allele origin: germline. Not counted in ClinVar's aggregate classification.
Comment: This variant is classified as likely benign based on ACMG/AMP sequence variant interpretation guidelines (Richards et al. 2015 PMID: 25741868, with internal and published modifications).

Dr. Peter K. Rogan Lab, Western University
No classification provided (evidence only). Condition: Acute myeloid leukemia. Review status: no classification provided. Collection method: in vitro. Allele origin: not applicable. Functional consequence: retained intron. Not counted in ClinVar's aggregate classification.